The following is an entry in ClinVar:

ClinVar aggregate classification (germline): Likely benign (0 of 4 stars; one submission).

Conditions:
SPATA13-related disorder. Also called: SPATA13-related condition.

Allele frequency attached by ClinVar (database versions not stated): ExAC 0.00046; 1000 Genomes Project 0.00060; 1000 Genomes Project 30x 0.00062; ESP Exome Variant Server 0.00110.
gnomAD v4.1: 303 of 1,552,050 alleles (0.02%); highest among the groups gnomAD compares: African/African-American, 0.35%; no homozygotes.

Submission:

PreventionGenetics, part of Exact Sciences
Classification: Likely benign for SPATA13-related condition. Last evaluated: 2020-01-03. Review status: no assertion criteria provided. Collection method: clinical testing. Allele origin: germline.
Comment: This variant is classified as likely benign based on ACMG/AMP sequence variant interpretation guidelines (Richards et al. 2015 PMID: 25741868, with internal and published modifications).

NM_001166271.3(SPATA13):c.714C>T (p.Leu238=)

Gene: SPATA13 (spermatogenesis associated 13; plus strand). Cytogenetic location: 13q12.12.
Variant type: single nucleotide variant.
Coding change: c.714C>T on transcript NM_001166271.3 (MANE Select); coding-DNA position 714, C replaced by T.
Protein change: p.Leu238=; no amino-acid change (leucine 238 retained).
Molecular consequence: synonymous variant. On other transcripts: intron variant (1).
Genome position (GRCh38, 1-based): chr13:24,223,643, C>T. VCF-style: chr13-24223643-C-T. GRCh37 (hg19) VCF-style: chr13-24797781-C-T.
Other names: c.900C>T, p.Leu300= (NM_001286792.2); c.-222-25834C>T (NM_153023.4).
Identifiers: ClinVar variation 3048001 (VCV003048001.2), dbSNP rs376505603, ClinGen allele CA6913865.
Genomic context (GRCh38, chr13:24,223,643, plus strand): 5'-CCAGAACCATGCGACACCCACGATAGCCACTGGCCAGGTGCCCGCCGTGTGTGAGATTCT[C>T]GTGAGGGACCCTGAAAACAACAGCATGGGCTACAGGAGGAGCAAGAGCACGGACAATCTT-3'
Protein context (NP_001159743.1, residues 228-248): TGQVPAVCEI[Leu238=]VRDPENNSMG